The following is an entry in ClinVar:

NM_133433.4(NIPBL):c.5396TTG[1] (p.Val1800del)

Gene: NIPBL (NIPBL cohesin loading factor; plus strand). Cytogenetic location: 5p13.2.
Variant type: Microsatellite.
Coding change: c.5396TTG[1] on transcript NM_133433.4 (MANE Select); one copy of the 3-base unit TTG starting at c.5396; the reference has two copies in a row; one copy, 3 bases deleted.
Protein change: p.Val1800del; deletes valine 1800.
Molecular consequence: inframe deletion.
Genome position (GRCh38, 1-based): chr5:37,022,121-37,022,123, TTG deleted; deleting any 3 consecutive bases within chr5:37,022,117-37,022,123 gives the same sequence; the position shown is the placement nearest the transcript's 3' end. VCF-style (leftmost placement, unchanged base first): chr5-37022116-GGTT-G. GRCh37 (hg19) VCF-style: chr5-37022218-GGTT-G.
Other names: c.5396TTG[1], p.Val1800del (NM_015384.5); short protein forms V1800del.
Identifiers: ClinVar variation 1313009 (VCV001313009.2), dbSNP rs2149698896, ClinGen allele CA2580613549.
Genomic context (GRCh38, chr5:37,022,116, plus strand): 5'-ACGAGTTCTTGGTGAAAATGCAATTGCTGTTCGAACAAAAGCCATGAAGTGTTTGTCTGA[GGTT>G]GTTGCTGTAGACCCCAGTATTCTAGCAAGGGTAAAGAGCAAAAATGATTCTTTCTTTTCT-3'

ClinVar aggregate classification (germline): Uncertain significance (1 of 4 stars; one submission).

Submission:

GeneDx
Classification: Uncertain significance. Last evaluated: 2020-01-17. Review status: criteria provided, single submitter. Criteria: GeneDx Variant Classification Process June 2021. Collection method: clinical testing. Allele origin: germline. Affected: yes.
Comment: Not observed in large population cohorts (Lek et al., 2016); In-frame deletion of 1 amino acid in a non-repeat region; In silico analysis, which includes protein predictors and evolutionary conservation, supports a deleterious effect; Has not been previously published as pathogenic or benign to our knowledge